The following is an entry in ClinVar:

NM_003072.5(SMARCA4):c.1190G>A (p.Arg397Gln)

Gene: SMARCA4 (SWI/SNF related BAF chromatin remodeling complex subunit ATPase 4; plus strand). Cytogenetic location: 19p13.2.
Variant type: single nucleotide variant.
Coding change: c.1190G>A on transcript NM_003072.5 (MANE Select); coding-DNA position 1190, G replaced by A.
Protein change: p.Arg397Gln; replaces arginine 397 with glutamine.
Molecular consequence: missense variant. On other transcripts: non-coding transcript variant (1).
Genome position (GRCh38, 1-based): chr19:10,989,388, G>A. VCF-style: chr19-10989388-G-A. GRCh37 (hg19) VCF-style: chr19-11100064-G-A.
Other names: c.1190G>A, p.Arg397Gln (NM_001128844.3, NM_001128845.2, NM_001128846.2 and 4 more transcripts); short protein forms R397Q.
Identifiers: ClinVar variation 818549 (VCV000818549.5), dbSNP rs1599996151, ClinGen allele CA404059624.
Genomic context (GRCh38, chr19:10,989,388, plus strand): 5'-GCATCGCACACCGAATTCAGGAACTTGAAAACCTTCCCGGGTCCCTGGCCGGGGATTTGC[G>A]AACCAAAGCGACCATTGAGCTCAAGGCCCTCAGGCTGCTGAACTTCCAGAGGCAGGTGGG-3'
Protein context (NP_003063.2, residues 387-407): NLPGSLAGDL[Arg397Gln]TKATIELKAL

ClinVar aggregate classification (germline): Uncertain significance (1 of 4 stars; one submission).

Conditions:
Hereditary cancer-predisposing syndrome. Also called: Tumor predisposition; Hereditary neoplastic syndrome; Neoplastic Syndromes, Hereditary; Hereditary Cancer Syndrome. Identifiers: Orphanet 140162, MedGen C0027672, MeSH D009386, MONDO:0015356.

Allele frequency attached by ClinVar (database versions not stated): gnomAD exomes below 0.00001.
gnomAD v4.1: 2 of 1,614,152 alleles (0.00012%); highest among the groups gnomAD compares: Non-Finnish European, 0.00017%; no homozygotes.

Submission:

Ambry Genetics
Classification: Uncertain significance for Hereditary cancer-predisposing syndrome. Last evaluated: 2024-11-19. Review status: criteria provided, single submitter. Criteria: Ambry Variant Classification Scheme 2023. Collection method: clinical testing. Allele origin: germline.
Comment: The p.R397Q variant (also known as c.1190G>A), located in coding exon 6 of the SMARCA4 gene, results from a G to A substitution at nucleotide position 1190. The arginine at codon 397 is replaced by glutamine, an amino acid with highly similar properties. This amino acid position is highly conserved in available vertebrate species. In addition, the in silico prediction for this alteration is inconclusive. Based on the available evidence, the clinical significance of this variant remains unclear.